The following is an entry in ClinVar:

NM_138927.4(SON):c.5278G>C (p.Asp1760His)

Gene: SON (SON DNA and RNA binding protein; plus strand). Cytogenetic location: 21q22.11.
Variant type: single nucleotide variant.
Coding change: c.5278G>C on transcript NM_138927.4 (MANE Select); coding-DNA position 5278, G replaced by C.
Protein change: p.Asp1760His; replaces aspartic acid 1760 with histidine.
Molecular consequence: missense variant. On other transcripts: non-coding transcript variant (1), intron variant (1).
Genome position (GRCh38, 1-based): chr21:33,554,509, G>C. VCF-style: chr21-33554509-G-C. GRCh37 (hg19) VCF-style: chr21-34926815-G-C.
Other names: c.5278G>C, p.Asp1760His (NM_001291411.2, NM_001412133.1, NM_032195.3 and 2 more transcripts); c.245-2647G>C (NM_001291412.3); short protein forms D1760H.
Identifiers: ClinVar variation 2750494 (VCV002750494.3), dbSNP rs2085910815, ClinGen allele CA410164435.

ClinVar aggregate classification (germline): Uncertain significance (1 of 4 stars; one submission).

Allele frequency attached by ClinVar (database versions not stated): TOPMed below 0.00001.

Submission:

Labcorp Genetics (formerly Invitae), Labcorp
Classification: Uncertain significance. Last evaluated: 2023-02-26. Review status: criteria provided, single submitter. Criteria: Invitae Variant Classification Sherloc (09022015). Collection method: clinical testing. Allele origin: germline.
Comment: This variant has not been reported in the literature in individuals affected with SON-related conditions. This variant is not present in population databases (gnomAD no frequency). This sequence change replaces aspartic acid, which is acidic and polar, with histidine, which is basic and polar, at codon 1760 of the SON protein (p.Asp1760His). An algorithm developed to predict the effect of missense changes on protein structure and function (PolyPhen-2) suggests that this variant is likely to be disruptive. In summary, the available evidence is currently insufficient to determine the role of this variant in disease. Therefore, it has been classified as a Variant of Uncertain Significance.